The following is an entry in ClinVar:

ClinVar aggregate classification (germline): other (0 of 4 stars; one submission).

Conditions:
Familial colorectal cancer. Identifiers: MedGen CN280943, MONDO:0023113. Disease mechanism: loss of function.

Allele frequency attached by ClinVar (database versions not stated): gnomAD 0.00624 and 0.00867; TOPMed 0.00917; 1000 Genomes Project 30x 0.03498; 1000 Genomes Project 0.03874.
gnomAD v4.1: 1,318 of 152,248 alleles (0.87%); highest among the groups gnomAD compares: East Asian, 15%; 62 homozygotes.

Submission:

Systems Biology Platform Zhejiang California International NanoSystems Institute
Classification: other for Familial colorectal cancer. Review status: no assertion criteria provided. Collection method: not provided. Allele origin: unknown.
ClinVar note: Converted during submission from cancer to other.

NM_000038.6(APC):c.1744-363T>A

Gene: APC (APC regulator of WNT signaling pathway; plus strand). Cytogenetic location: 5q22.2.
Variant type: single nucleotide variant.
Coding change: c.1744-363T>A on transcript NM_000038.6 (MANE Select); 363 bases into the intron before coding-DNA position 1744, T replaced by A.
Molecular consequence: intron variant.
Genome position (GRCh38, 1-based): chr5:112,834,588, T>A. VCF-style: chr5-112834588-T-A. GRCh37 (hg19) VCF-style: chr5-112170285-T-A.
Other names: c.1744-363T>A (NM_001354895.2, NM_001127510.3); c.1774-363T>A (NM_001354897.2); c.1471-363T>A (NM_001354902.2); c.1690-363T>A (NM_001127511.3); c.1669-363T>A (NM_001354898.2); c.1366-363T>A (NM_001354904.2); c.895-363T>A (NM_001354906.2); c.1798-363T>A (NM_001354896.2); and 5 more.
Identifiers: ClinVar variation 83208 (VCV000083208.2), dbSNP rs77504726, ClinGen allele CA005890.